The following is an entry in ClinVar:

ClinVar aggregate classification (germline): Pathogenic. Review status: reviewed by expert panel (3 of 4 stars). 8 submissions from 8 submitters: Pathogenic (1). 7 of the submissions do not count toward it. Last evaluated 2017-12-15.

Conditions:
Hereditary breast ovarian cancer syndrome. Also called: Hereditary breast and ovarian cancer syndrome (HBOC); BRCA1- and BRCA2-Associated Hereditary Breast and Ovarian Cancer; Hereditary breast and/or ovarian cancer syndrome; Hereditary breast and ovarian cancer syndrome; Hereditary breast and ovarian cancer; Breast and ovarian cancer. Identifiers: Orphanet 145, MedGen C0677776, MeSH D061325, MONDO:0003582. Disease mechanism: loss of function.
Fanconi anemia, complementation group S (FANCS). Identifiers: MedGen C4554406, MONDO:0054748, OMIM 617883.
Breast-ovarian cancer, familial, susceptibility to, 1 (BROVCA1). Also called: BRCA1 Hereditary Breast and Ovarian Cancer; OVARIAN CANCER, SUSCEPTIBILITY TO. Identifiers: Orphanet 145, MedGen C2676676, MONDO:0011450, OMIM 604370. Disease mechanism: loss of function.
Pancreatic cancer, susceptibility to, 4. Identifiers: Orphanet 1333, MedGen C3280442, MONDO:0013685, OMIM 614320.
Hereditary cancer-predisposing syndrome. Also called: Neoplastic Syndromes, Hereditary; Hereditary neoplastic syndrome; Tumor predisposition; Hereditary Cancer Syndrome. Identifiers: Orphanet 140162, MedGen C0027672, MeSH D009386, MONDO:0015356.

Submissions (8):

Evidence-based Network for the Interpretation of Germline Mutant Alleles (ENIGMA)
Classification: Pathogenic for Breast-ovarian cancer, familial, susceptibility to, 1. Last evaluated: 2017-12-15. Review status: reviewed by expert panel. Criteria: ENIGMA BRCA1/2 Classification Criteria (2017-06-29). Collection method: curation. Allele origin: germline. Study: ENIGMA.
Comment: Variant allele predicted to encode a truncated non-functional protein.

Quest Diagnostics Nichols Institute San Juan Capistrano
Classification: Likely pathogenic. Last evaluated: 2025-06-27. Review status: criteria provided, single submitter. Criteria: Quest Diagnostics criteria. Collection method: clinical testing. Allele origin: unknown. Not counted in ClinVar's aggregate classification.
Comment: The BRCA1 c.933del (p.Gly312Alafs*2) variant alters the translational reading frame of the BRCA1 mRNA and is predicted to cause the premature termination of BRCA1 protein synthesis. This variant has been reported in the published literature in an individual with a family history of early onset breast cancer (PMID: 22752604 (2012)). This variant has not been reported in large, multi-ethnic general populations (Genome Aggregation Database). Based on the available information, this variant is classified as likely pathogenic.

Ambry Genetics
Classification: Pathogenic for Hereditary cancer-predisposing syndrome. Last evaluated: 2025-01-08. Review status: criteria provided, single submitter. Criteria: Ambry Variant Classification Scheme 2023. Collection method: clinical testing. Allele origin: germline. Not counted in ClinVar's aggregate classification.
Comment: The c.933delT pathogenic mutation, located in coding exon 9 of the BRCA1 gene, results from a deletion of one nucleotide at nucleotide position 933, causing a translational frameshift with a predicted alternate stop codon (p.G312Afs*2). This mutation, called 1052delT, was detected in a cohort of Indian woman who had a family history of early-onset breast cancer (Juwle A, Med. Oncol. 2012 Dec; 29(5):3272-81). This variant is considered to be rare based on population cohorts in the Genome Aggregation Database (gnomAD). This alteration is expected to result in loss of function by premature protein truncation or nonsense-mediated mRNA decay. As such, this alteration is interpreted as a disease-causing mutation.

Fulgent Genetics
Classification: Pathogenic for Breast-ovarian cancer, familial, susceptibility to, 1; Pancreatic cancer, susceptibility to, 4; Fanconi anemia, complementation group S. Last evaluated: 2024-06-04. Review status: criteria provided, single submitter. Criteria: ACMG Guidelines, 2015. Collection method: clinical testing. Allele origin: germline. Not counted in ClinVar's aggregate classification.

Labcorp Genetics (formerly Invitae), Labcorp
Classification: Pathogenic for Hereditary breast ovarian cancer syndrome. Last evaluated: 2021-01-20. Review status: criteria provided, single submitter. Criteria: Invitae Variant Classification Sherloc (09022015). Collection method: clinical testing. Allele origin: germline. Not counted in ClinVar's aggregate classification.
Comment: This sequence change creates a premature translational stop signal (p.Gly312Alafs*2) in the BRCA1 gene. It is expected to result in an absent or disrupted protein product. This variant is not present in population databases (ExAC no frequency). This variant has been observed in a family affected with breast cancer (PMID: 22752604). ClinVar contains an entry for this variant (Variation ID: 431204). Loss-of-function variants in BRCA1 are known to be pathogenic (PMID: 20104584). For these reasons, this variant has been classified as Pathogenic.

Women's Health and Genetics/Laboratory Corporation of America, LabCorp
Classification: Likely pathogenic for Hereditary breast and ovarian cancer syndrome. Last evaluated: 2018-03-07. Review status: criteria provided, single submitter. Criteria: LabCorp Variant Classification Summary - May 2015. Collection method: clinical testing. Allele origin: germline. Not counted in ClinVar's aggregate classification.
Comment: Variant summary: BRCA1 c.933delT (p.Gly312AlafsX2) results in a premature termination codon, predicted to cause a truncation of the encoded protein or absence of the protein due to nonsense mediated decay, which are commonly known mechanisms for disease. Truncations downstream of this position have been classified as pathogenic by our laboratory (eg. c.981_982delAT, p.Cys328X; c.1016dupA, p.Val340fsX6; c.1054G>T, p.Glu352X). The variant was absent in 246256 control chromosomes (gnomAD and literature). c.933delT has been reported in the literature in individuals affected with Hereditary Breast and Ovarian Cancer (Juwle_2012). These data do not allow any conclusion about variant significance. To our knowledge, no experimental evidence demonstrating an impact on protein function has been reported. No clinical diagnostic laboratories have submitted clinical-significance assessments for this variant to ClinVar after 2014. Based on the evidence outlined above, the variant was classified as likely pathogenic.

Neuberg Centre For Genomic Medicine, NCGM
Classification: Pathogenic for Breast-ovarian cancer, familial, susceptibility to, 1. Review status: criteria provided, single submitter. Criteria: ACMG Guidelines, 2015. Collection method: clinical testing. Allele origin: germline. Inheritance: Autosomal dominant inheritance. Affected: yes. Not counted in ClinVar's aggregate classification.
Comment: The frameshift variant c.933del (p.Gly312AlafsTer2) in the BRCA1 gene has been reported previously in heterozygous state in a family affected affected with breast cancer (Juwle A. et al., 2012). The variant is novel (not in any individuals) in gnomAD Exomes and in 1000 Genomes. It is submitted in ClinVar as Pathogenic. This variant is predicted to cause loss of normal protein function through protein truncation. Loss of function variants have been previously reported to be disease causing. For these reasons, this variant has been classified as Pathogenic.

Research Molecular Genetics Laboratory, Women's College Hospital, University of Toronto
Classification: Pathogenic for Hereditary breast ovarian cancer syndrome. Last evaluated: 2014-01-31. Review status: no assertion criteria provided. Collection method: research. Allele origin: germline. Affected: yes. Study: The Canadian Open Genetics Repository (COGR). Not counted in ClinVar's aggregate classification.

Literature cited by the submitters: PubMed 22752604 (cited by 4 submitters); PubMed 20104584 (cited by Labcorp Genetics (formerly Invitae), Labcorp).

NM_007294.4(BRCA1):c.933del (p.Gly312fs)

Gene: BRCA1 (BRCA1 DNA repair associated; minus strand). Cytogenetic location: 17q21.31.
Variant type: Deletion.
Coding change: c.933del on transcript NM_007294.4 (MANE Select); coding-DNA position 933, one base deleted (T; older notation c.933delT).
Protein change: p.Gly312fs; shifts the reading frame from glycine 312.
Molecular consequence: frameshift variant. On other transcripts: intron variant (137).
Genome position (GRCh38, 1-based): chr17:43,094,598, A deleted on the plus strand (T on the coding strand, the reverse complement: BRCA1 is on the minus strand). VCF-style (leftmost placement, unchanged base first): chr17-43094597-CA-C. GRCh37 (hg19) VCF-style: chr17-41246614-CA-C.
Other names: c.720del, p.Gly241fs (NM_001407571.1, NM_001407853.1, NM_001407894.1 and 9 more transcripts); c.933del, p.Gly312fs (NM_001407581.1, NM_001407582.1, NM_001407583.1 and 30 more transcripts); c.930del, p.Gly311fs (NM_001407587.1, NM_001407590.1, NM_001407591.1 and 22 more transcripts); c.924del, p.Gly309fs (NM_001407646.1, NM_001407647.1); c.810del, p.Gly271fs (NM_001407648.1, NM_001407664.1, NM_001407665.1 and 19 more transcripts); c.807del, p.Gly270fs (NM_001407649.1, NM_001407670.1, NM_001407671.1 and 11 more transcripts); c.855del, p.Gly286fs (NM_001407653.1, NM_001407654.1, NM_001407655.1 and 4 more transcripts); c.852del, p.Gly285fs (NM_001407659.1, NM_001407660.1, NM_001407661.1 and 1 more transcripts); and 41 more; short protein forms G265fs, G312fs, G244fs, G285fs, G311fs, G16fs, G185fs, G242fs.
Identifiers: ClinVar variation 431204 (VCV000431204.17), dbSNP rs1135401839, ClinGen allele CA645373203.
Genomic context (GRCh38, chr17:43,094,597, plus strand): 5'-GCCTATCATTACATGTTTCCTTACTTCCAGCCCATCTGTTATGTTGGCTCCTTGCTAAGC[CA>C]GGCTGTTTGCTTTTATTACAGAATTCAGCCTTTTCTACATTCATTCTGTCTTTAGTGAGT-3'